The following is an entry in ClinVar:

NM_001388453.1(QRICH2):c.4261C>T (p.Gln1421Ter)

Gene: QRICH2 (glutamine rich 2; minus strand). Cytogenetic location: 17q25.1.
Variant type: single nucleotide variant.
Coding change: c.4261C>T on transcript NM_001388453.1 (MANE Select); coding-DNA position 4261, C replaced by T.
Protein change: p.Gln1421Ter; replaces glutamine 1421 with a stop codon.
Molecular consequence: nonsense. On other transcripts: non-coding transcript variant (1).
Genome position (GRCh38, 1-based): chr17:76,281,866, G>A on the plus strand (C>T on the coding strand, the complement: QRICH2 is on the minus strand). VCF-style: chr17-76281866-G-A. GRCh37 (hg19) VCF-style: chr17-74277947-G-A.
Other names: c.4261C>T, p.Gln1421Ter (NM_032134.3); short protein forms Q1421*.
Identifiers: ClinVar variation 4850394 (VCV004850394.1).
Genomic context (GRCh38, chr17:76,281,866, plus strand): 5'-GCCCTCCTCTGTGGGGCCATGTCCAGTTGCAGCAGGAGGGAGGCGAGCAGAGCCCCACCT[G>A]TCTCTGGAGCTTGGCCTTCTTGGAGGGTCGGGAGACGGCCAGGCTGTTGACCATGTCTTG-3'

ClinVar aggregate classification (germline): Likely pathogenic (1 of 4 stars; one submission).

Conditions:
Spermatogenic failure 35. Identifiers: MedGen C5193038, MONDO:0032686, OMIM 618341.

gnomAD v4.1: 11 of 1,612,970 alleles (0.00068%); highest among the groups gnomAD compares: African/African-American, 0.013%; no homozygotes.

Submission:

First Genomix Gene Laboratory, Genetic Diagnostics Department
Classification: Likely pathogenic for Spermatogenic failure 35. Last evaluated: 2025-09-23. Review status: criteria provided, single submitter. Criteria: ACMG Guidelines, 2015. Collection method: clinical testing. Allele origin: germline. Inheritance: Autosomal recessive inheritance. Affected: no. Observed: 1 variant allele.